The following is an entry in ClinVar:

NM_005228.5(EGFR):c.116C>T (p.Thr39Met)

Gene: EGFR (epidermal growth factor receptor; plus strand). Cytogenetic location: 7p11.2.
Variant type: single nucleotide variant.
Coding change: c.116C>T on transcript NM_005228.5 (MANE Select); coding-DNA position 116, C replaced by T.
Protein change: p.Thr39Met; replaces threonine 39 with methionine.
Molecular consequence: missense variant. On other transcripts: 5 prime UTR variant (1), intron variant (1).
Genome position (GRCh38, 1-based): chr7:55,142,313, C>T. VCF-style: chr7-55142313-C-T. GRCh37 (hg19) VCF-style: chr7-55210006-C-T.
Other names: c.116C>T, p.Thr39Met (NM_001346897.2, NM_001346898.2, NM_001346899.2 and 3 more transcripts); c.-44C>T (NM_001346900.2); c.89-13517C>T (NM_001346941.2); c.116C>T (NM_005228.3); short protein forms T39M.
Identifiers: ClinVar variation 584684 (VCV000584684.11), dbSNP rs375919121, ClinGen allele CA4265139.
Genomic context (GRCh38, chr7:55,142,313, plus strand): 5'-GTATTTCATGTGATATCTGTCTTTTTCTTCCAGTTTGCCAAGGCACGAGTAACAAGCTCA[C>T]GCAGTTGGGCACTTTTGAAGATCATTTTCTCAGCCTCCAGAGGATGTTCAATAACTGTGA-3'
Protein context (NP_005219.2, residues 29-49): KVCQGTSNKL[Thr39Met]QLGTFEDHFL

ClinVar aggregate classification (germline): Uncertain significance. Review status: criteria provided, multiple submitters, no conflicts (2 of 4 stars). 3 submissions from 3 submitters: Uncertain significance (3). Last evaluated 2026-01-07.

Conditions:
EGFR-related lung cancer (EGFR). Identifiers: MedGen CN130014.
Lung carcinoma. Identifiers: MedGen C0684249, MONDO:0005138.
Hereditary cancer-predisposing syndrome. Also called: Neoplastic Syndromes, Hereditary; Hereditary neoplastic syndrome; Tumor predisposition; Hereditary Cancer Syndrome. Identifiers: Orphanet 140162, MedGen C0027672, MeSH D009386, MONDO:0015356.

Allele frequency attached by ClinVar (database versions not stated): gnomAD exomes below 0.00001 and 0.00001; ExAC 0.00002; ESP Exome Variant Server 0.00008.
gnomAD v4.1: 5 of 1,614,188 alleles (0.00031%); highest among the groups gnomAD compares: Non-Finnish European, 0.00042%; no homozygotes.

Submissions (3):

Ambry Genetics
Classification: Uncertain significance for Hereditary cancer-predisposing syndrome. Last evaluated: 2026-01-07. Review status: criteria provided, single submitter. Criteria: Ambry Variant Classification Scheme 2023. Collection method: clinical testing. Allele origin: germline.
Comment: The p.T39M variant (also known as c.116C>T), located in coding exon 2 of the EGFR gene, results from a C to T substitution at nucleotide position 116. The threonine at codon 39 is replaced by methionine, an amino acid with similar properties. This amino acid position is not well conserved in available vertebrate species. In addition, the in silico prediction for this alteration is inconclusive. Based on the available evidence, the clinical significance of this variant remains unclear.

Labcorp Genetics (formerly Invitae), Labcorp
Classification: Uncertain significance for EGFR-related lung cancer. Last evaluated: 2024-04-18. Review status: criteria provided, single submitter. Criteria: Invitae Variant Classification Sherloc (09022015). Collection method: clinical testing. Allele origin: germline.
Comment: This sequence change replaces threonine, which is neutral and polar, with methionine, which is neutral and non-polar, at codon 39 of the EGFR protein (p.Thr39Met). This variant is present in population databases (rs375919121, gnomAD 0.006%). This variant has not been reported in the literature in individuals affected with EGFR-related conditions. ClinVar contains an entry for this variant (Variation ID: 584684). Advanced modeling of protein sequence and biophysical properties (such as structural, functional, and spatial information, amino acid conservation, physicochemical variation, residue mobility, and thermodynamic stability) performed at Invitae indicates that this missense variant is expected to disrupt EGFR protein function with a positive predictive value of 80%. In summary, the available evidence is currently insufficient to determine the role of this variant in disease. Therefore, it has been classified as a Variant of Uncertain Significance.

Mendelics
Classification: Uncertain significance for Lung cancer. Last evaluated: 2019-05-28. Review status: criteria provided, single submitter. Criteria: Mendelics Assertion Criteria 2017. Collection method: clinical testing. Allele origin: unknown.